The following is an entry in ClinVar:

NM_004260.4(RECQL4):c.1470G>C (p.Met490Ile)

Gene: RECQL4 (RecQ like helicase 4; minus strand). Cytogenetic location: 8q24.3.
Variant type: single nucleotide variant.
Coding change: c.1470G>C on transcript NM_004260.4 (MANE Select); coding-DNA position 1470, G replaced by C.
Protein change: p.Met490Ile; replaces methionine 490 with isoleucine.
Molecular consequence: missense variant.
Genome position (GRCh38, 1-based): chr8:144,515,163, C>G on the plus strand (G>C on the coding strand, the complement: RECQL4 is on the minus strand). VCF-style: chr8-144515163-C-G. GRCh37 (hg19) VCF-style: chr8-145740547-C-G.
Other names: c.1470G>C (NM_004260.3); short protein forms M490I.
Identifiers: ClinVar variation 1361380 (VCV001361380.7), dbSNP rs1464951222, ClinGen allele CA372684572.

ClinVar aggregate classification (germline): Uncertain significance. Review status: criteria provided, multiple submitters, no conflicts (2 of 4 stars). 2 submissions from 2 submitters: Uncertain significance (2). Last evaluated 2026-07-05.

Conditions:
Inborn genetic diseases. Identifiers: MedGen C0950123, MeSH D030342.
Baller-Gerold syndrome (BGS). Also called: CRANIOSYNOSTOSIS WITH RADIAL DEFECTS. Identifiers: Orphanet 1225, MedGen C0265308, MONDO:0009039, OMIM 218600.

gnomAD v4.1: 1 of 1,565,150 alleles (0.000064%); highest among the groups gnomAD compares: Non-Finnish European, 0.000087%; no homozygotes.

Submissions (2):

Ambry Genetics
Classification: Uncertain significance for Inborn genetic diseases. Last evaluated: 2026-07-05. Review status: criteria provided, single submitter. Criteria: Ambry Variant Classification Scheme 2023. Collection method: clinical testing. Allele origin: germline.
Comment: The p.M490I variant (also known as c.1470G>C), located in coding exon 8 of the RECQL4 gene, results from a G to C substitution at nucleotide position 1470. The methionine at codon 490 is replaced by isoleucine, an amino acid with highly similar properties. This amino acid position is conserved. In addition, the in silico prediction for this alteration is inconclusive. Based on the available evidence, the clinical significance of this variant remains unclear.

Labcorp Genetics (formerly Invitae), Labcorp
Classification: Uncertain significance for Baller-Gerold syndrome. Last evaluated: 2021-08-24. Review status: criteria provided, single submitter. Criteria: Invitae Variant Classification Sherloc (09022015). Collection method: clinical testing. Allele origin: germline.
Comment: This sequence change replaces methionine with isoleucine at codon 490 of the RECQL4 protein (p.Met490Ile). The methionine residue is highly conserved and there is a small physicochemical difference between methionine and isoleucine. This variant is not present in population databases (ExAC no frequency). This variant has not been reported in the literature in individuals affected with RECQL4-related conditions. Experimental studies and prediction algorithms are not available or were not evaluated, and the functional significance of this variant is currently unknown. In summary, the available evidence is currently insufficient to determine the role of this variant in disease. Therefore, it has been classified as a Variant of Uncertain Significance.